The following is an entry in ClinVar:

NM_001127208.3(TET2):c.3782G>A (p.Arg1261His)

Genes: TET2 (tet methylcytosine dioxygenase 2; plus strand), TET2-AS1 (TET2 antisense RNA 1; minus strand). Cytogenetic location: 4q24.
Variant type: single nucleotide variant.
Coding change: c.3782G>A on transcript NM_001127208.3 (MANE Select); coding-DNA position 3782, G replaced by A.
Protein change: p.Arg1261His; replaces arginine 1261 with histidine.
Molecular consequence: missense variant.
Genome position (GRCh38, 1-based): chr4:105,243,757, G>A. VCF-style: chr4-105243757-G-A. GRCh37 (hg19) VCF-style: chr4-106164914-G-A.
Other names: short protein forms R1261H.
Identifiers: ClinVar variation 2504112 (VCV002504112.4), dbSNP rs771761785, ClinGen allele CA3032126.

ClinVar aggregate classification (germline): Uncertain significance. Review status: criteria provided, single submitter (1 of 4 stars). 2 submissions from 2 submitters: Uncertain significance (1). 1 of the submissions does not count toward it. Last evaluated 2024-10-26.

Conditions:
Atypical chronic myeloid leukemia, BCR-ABL1 negative (ACML). Also called: Atypical chronic myeloid leukemia. Identifiers: Orphanet 98824, MedGen C1292772, MONDO:0004653.

Allele frequency attached by ClinVar (database versions not stated): gnomAD 0.00001; ExAC 0.00005.
gnomAD v4.1: 9 of 1,551,248 alleles (0.00058%); highest among the groups gnomAD compares: African/African-American, 0.0027%; no homozygotes.

Submissions (2):

Labcorp Genetics (formerly Invitae), Labcorp
Classification: Uncertain significance. Last evaluated: 2024-10-26. Review status: criteria provided, single submitter. Criteria: Invitae Variant Classification Sherloc (09022015). Collection method: clinical testing. Allele origin: germline.
Comment: This sequence change replaces arginine, which is basic and polar, with histidine, which is basic and polar, at codon 1261 of the TET2 protein (p.Arg1261His). The frequency data for this variant in the population databases is considered unreliable, as metrics indicate poor data quality at this position in the gnomAD database. This variant has not been reported in the literature in individuals affected with TET2-related conditions. ClinVar contains an entry for this variant (Variation ID: 2504112). An algorithm developed to predict the effect of missense changes on protein structure and function (PolyPhen-2) suggests that this variant is likely to be disruptive. In summary, the available evidence is currently insufficient to determine the role of this variant in disease. Therefore, it has been classified as a Variant of Uncertain Significance.

Institute of Laboratory Medicine, Hospital Wels-Grieskirchen
Classification: Uncertain significance for Atypical chronic myeloid leukemia, BCR-ABL1 negative. Last evaluated: 2022-04-20. Review status: no assertion criteria provided. Collection method: clinical testing. Allele origin: somatic. Affected: yes. Not counted in ClinVar's aggregate classification.